The following is an entry in ClinVar:

ClinVar aggregate classification (germline): Uncertain significance (1 of 4 stars; one submission).

Submission:

GeneDx
Classification: Uncertain significance. Last evaluated: 2024-04-08. Review status: criteria provided, single submitter. Criteria: GeneDx Variant Classification Process June 2021. Collection method: clinical testing. Allele origin: germline. Affected: yes.
Comment: Not observed at significant frequency in large population cohorts (gnomAD); In silico analysis supports that this missense variant has a deleterious effect on protein structure/function; Has not been previously published as pathogenic or benign to our knowledge

NM_014712.3(SETD1A):c.1310C>T (p.Pro437Leu)

Gene: SETD1A (SET domain containing 1A, histone lysine methyltransferase; plus strand). Cytogenetic location: 16p11.2.
Variant type: single nucleotide variant.
Coding change: c.1310C>T on transcript NM_014712.3 (MANE Select); coding-DNA position 1310, C replaced by T.
Protein change: p.Pro437Leu; replaces proline 437 with leucine.
Molecular consequence: missense variant.
Genome position (GRCh38, 1-based): chr16:30,965,052, C>T. VCF-style: chr16-30965052-C-T. GRCh37 (hg19) VCF-style: chr16-30976373-C-T.
Other names: short protein forms P437L.
Identifiers: ClinVar variation 3372226 (VCV003372226.1).
Genomic context (GRCh38, chr16:30,965,052, plus strand): 5'-CCAGCCGGCCCACCGACCAGGACTACCGGCCTCCTGCCTCAGAGGCTCCACCCCCGGAGC[C>T]TCCAGAACCTGGTGGAGGCGGGGGTGGAGGAGGGCCCAGCCCTGAGAGAGAAGAAGTTCG-3'
Protein context (NP_055527.1, residues 427-447): PPASEAPPPE[Pro437Leu]PEPGGGGGGG